The following is an entry in ClinVar:

ClinVar aggregate classification (germline): Uncertain significance. Review status: criteria provided, multiple submitters, no conflicts (2 of 4 stars). 2 submissions from 2 submitters: Uncertain significance (2). Last evaluated 2026-01-21.

Conditions:
Hypertrophic cardiomyopathy. Also called: HYPERTROPHIC MYOCARDIOPATHY. Identifiers: Orphanet 217569, MedGen C0007194, MeSH D002312, MONDO:0005045, HP:0001639.
Cardiovascular phenotype. Identifiers: MedGen CN230736.

Submissions (2):

Ambry Genetics
Classification: Uncertain significance for Cardiovascular phenotype. Last evaluated: 2026-01-21. Review status: criteria provided, single submitter. Criteria: Ambry Variant Classification Scheme 2023. Collection method: clinical testing. Allele origin: germline.
Comment: The p.P316L variant (also known as c.947C>T), located in coding exon 12 of the MYBPC3 gene, results from a C to T substitution at nucleotide position 947. The proline at codon 316 is replaced by leucine, an amino acid with similar properties. This amino acid position is conserved. In addition, this alteration is predicted to be tolerated by in silico analysis. Based on the available evidence, the clinical significance of this variant remains unclear.

Labcorp Genetics (formerly Invitae), Labcorp
Classification: Uncertain significance for Hypertrophic cardiomyopathy. Last evaluated: 2020-10-27. Review status: criteria provided, single submitter. Criteria: Invitae Variant Classification Sherloc (09022015). Collection method: clinical testing. Allele origin: germline.
Comment: In summary, the available evidence is currently insufficient to determine the role of this variant in disease. Therefore, it has been classified as a Variant of Uncertain Significance. Algorithms developed to predict the effect of missense changes on protein structure and function are either unavailable or do not agree on the potential impact of this missense change (SIFT: "Deleterious"; PolyPhen-2: "Benign"; Align-GVGD: "Class C0"). This variant has not been reported in the literature in individuals with MYBPC3-related conditions. This variant is not present in population databases (ExAC no frequency). This sequence change replaces proline with leucine at codon 316 of the MYBPC3 protein (p.Pro316Leu). The proline residue is moderately conserved and there is a moderate physicochemical difference between proline and leucine.

NM_000256.3(MYBPC3):c.947C>T (p.Pro316Leu)

Gene: MYBPC3 (myosin binding protein C3; minus strand). Cytogenetic location: 11p11.2.
Variant type: single nucleotide variant.
Coding change: c.947C>T on transcript NM_000256.3 (MANE Select); coding-DNA position 947, C replaced by T.
Protein change: p.Pro316Leu; replaces proline 316 with leucine.
Molecular consequence: missense variant.
Genome position (GRCh38, 1-based): chr11:47,346,350, G>A on the plus strand (C>T on the coding strand, the complement: MYBPC3 is on the minus strand). VCF-style: chr11-47346350-G-A. GRCh37 (hg19) VCF-style: chr11-47367901-G-A.
Other names: short protein forms P316L.
Identifiers: ClinVar variation 1043065 (VCV001043065.9), dbSNP rs2095894123, ClinGen allele CA380332107.